The following is an entry in ClinVar:

ClinVar aggregate classification (germline): Likely pathogenic (1 of 4 stars; one submission).

Conditions:
Coffin-Siris syndrome 1 (CSS1). Also called: Mental retardation, autosomal dominant 12; ARID1B-Related Coffin-Siris Syndrome. Identifiers: Orphanet 1465, MedGen C3281201, MONDO:0007617, OMIM 135900. Disease mechanism: gain of function.

Submission:

Human Genetics Bochum, Ruhr University Bochum
Classification: Likely pathogenic for Coffin-Siris syndrome 1. Last evaluated: 2024-04-30. Review status: criteria provided, single submitter. Criteria: ACMG Guidelines, 2015. Collection method: clinical testing. Allele origin: germline. Affected: yes.
Comment: ACMG criteria used to clasify this variant: PVS1, PM2_SUP

NM_001374828.1(ARID1B):c.2581+1G>T

Gene: ARID1B (AT-rich interaction domain 1B; plus strand). Cytogenetic location: 6q25.3.
Variant type: single nucleotide variant.
Coding change: c.2581+1G>T on transcript NM_001374828.1 (MANE Select); the canonical splice donor site of the intron after coding-DNA position 2581, G replaced by T.
Molecular consequence: splice donor variant. On other transcripts: intron variant (1).
Genome position (GRCh38, 1-based): chr6:157,110,562, G>T. VCF-style: chr6-157110562-G-T. GRCh37 (hg19) VCF-style: chr6-157431696-G-T.
Other names: c.2581+1G>T (NM_001438487.1, NM_001438482.1, NM_017519.3); c.2492-22466G>T (NM_001438485.1); c.82+1G>T (NM_001363725.2, NM_001438488.1); c.2620+1G>T (NM_001371656.1, NM_001374820.1); c.2623+1G>T (NM_001438483.1, NM_001438486.1).
Identifiers: ClinVar variation 4687992 (VCV004687992.1).